The following is an entry in ClinVar:

ClinVar aggregate classification (germline): Conflicting classifications of pathogenicity. Review status: criteria provided, conflicting classifications (1 of 4 stars). 4 submissions from 4 submitters: Uncertain significance (3); Likely benign (1). Last evaluated 2025-12-03.

Conditions:
Inborn genetic diseases. Identifiers: MedGen C0950123, MeSH D030342.

Allele frequency attached by ClinVar (database versions not stated): ExAC 0.00008; ESP Exome Variant Server 0.00015.
gnomAD v4.1: 255 of 1,614,106 alleles (0.016%); highest among the groups gnomAD compares: Non-Finnish European, 0.02%; no homozygotes.

Submissions (5):

Labcorp Genetics (formerly Invitae), Labcorp
Classification: Uncertain significance. Last evaluated: 2025-12-03. Review status: criteria provided, single submitter. Criteria: Invitae Variant Classification Sherloc (09022015). Collection method: clinical testing. Allele origin: germline.
Comment: This sequence change replaces histidine, which is basic and polar, with glutamine, which is neutral and polar, at codon 313 of the MECOM protein (p.His313Gln). This variant is present in population databases (rs145851161, gnomAD 0.02%). This variant has not been reported in the literature in individuals affected with MECOM-related conditions. ClinVar contains an entry for this variant (Variation ID: 1337723). An algorithm developed to predict the effect of missense changes on protein structure and function (PolyPhen-2) suggests that this variant is likely to be disruptive. In summary, the available evidence is currently insufficient to determine the role of this variant in disease. Therefore, it has been classified as a Variant of Uncertain Significance.

Ambry Genetics
Classification: Uncertain significance for Inborn genetic diseases. Last evaluated: 2025-02-26. Review status: criteria provided, single submitter. Criteria: Ambry Variant Classification Scheme 2023. Collection method: clinical testing. Allele origin: germline.

Blueprint Genetics
Classification: Likely benign. Last evaluated: 2024-10-02. Review status: criteria provided, single submitter. Criteria: ACMG Guidelines, 2015. Collection method: clinical testing. Allele origin: germline.

Genetic Services Laboratory, University of Chicago
Classification: Uncertain significance. Last evaluated: 2020-09-02. Review status: criteria provided, single submitter. Criteria: ACMG Guidelines, 2015. Collection method: clinical testing. Allele origin: germline. Affected: no.
Comment: DNA sequence analysis of the MECOM gene demonstrated a sequence change, c.939C>G, in exon 7 that results in an amino acid change, p.His313Gln. This sequence change does not appear to have been previously described in patients with MECOM-related disorders and has been described in the gnomAD database with a frequency of 0.015% in the European sub-population (dbSNP rs145851161). The p.His313Gln change affects a highly conserved amino acid residue located in a domain of the MECOM protein that is not known to be functional. In-silico pathogenicity prediction tools (SIFT, PolyPhen2, Align GVGD, REVEL) provide contradictory results for the p.His313Gln substitution. Due to these contrasting evidences and the lack of functional studies, the clinical significance of the p.His313Gln change remains unknown at this time.

Dr. Peter K. Rogan Lab, Western University
No classification provided (evidence only). Condition: Clear cell carcinoma of kidney. Review status: no classification provided. Collection method: in vitro. Allele origin: not applicable. Functional consequence: retained intron. Not counted in ClinVar's aggregate classification.

NM_004991.4(MECOM):c.1503C>G (p.His501Gln)

Gene: MECOM (MDS1 and EVI1 complex locus; minus strand). Cytogenetic location: 3q26.2.
Variant type: single nucleotide variant.
Coding change: c.1503C>G on transcript NM_004991.4 (MANE Select); coding-DNA position 1503, C replaced by G.
Protein change: p.His501Gln; replaces histidine 501 with glutamine.
Molecular consequence: missense variant. On other transcripts: intron variant (2).
Genome position (GRCh38, 1-based): chr3:169,116,369, G>C on the plus strand (C>G on the coding strand, the complement: MECOM is on the minus strand). VCF-style: chr3-169116369-G-C. GRCh37 (hg19) VCF-style: chr3-168834157-G-C.
Other names: c.1134C>G, p.His378Gln (NM_001105077.4); c.939C>G, p.His313Gln (NM_001105078.4, NM_001164000.2, NM_001205194.2 and 4 more transcripts); c.942C>G, p.His314Gln (NM_001163999.2, NM_001366467.2, NM_001366468.2 and 1 more transcripts); c.1503C>G, p.His501Gln (NM_001366466.2); c.1133-602C>G (NM_001366473.2); c.569-602C>G (NM_001366474.2); c.1503C>G (NM_004991.3); short protein forms H313Q, H314Q, H378Q, H501Q.
Identifiers: ClinVar variation 1337723 (VCV001337723.13), dbSNP rs145851161, ClinGen allele CA2696327.
Genomic context (GRCh38, chr3:169,116,369, plus strand): 5'-TGTCTGTTCAGTACTTGATAGTCCTTTAACAGGAGAACTAGCAGGTATCAAAGGAGGCCT[G>C]TGGTACAAGCCGGAAGGAAACAGACCAGGGAAGCTAAAAGAAAATCCAGGAGCTGTTGGA-3'
Protein context (NP_004982.2, residues 491-511): FPGLFPSGLY[His501Gln]RPPLIPASSP